The following is an entry in ClinVar:

ClinVar aggregate classification (germline): Likely benign. Review status: criteria provided, multiple submitters, no conflicts (2 of 4 stars). 2 submissions from 2 submitters: Likely benign (2). Last evaluated 2024-02-05.

Conditions:
3-methylcrotonyl-CoA carboxylase 2 deficiency. Also called: METHYLCROTONYLGLYCINURIA, TYPE II; 3 alpha methylcrotonyl-CoA carboxylase 2 deficiency; 3 alpha methylcrotonylglycinuria 2; MCC 2 deficiency; Methylcrotonylglycinuria type 2. Identifiers: Orphanet 6, MedGen C1859499, MONDO:0008862, OMIM 210210.

Allele frequency attached by ClinVar (database versions not stated): ExAC 0.00002; gnomAD exomes 0.00002; gnomAD 0.00005 and 0.00006; TOPMed 0.00007.
gnomAD v4.1: 32 of 1,614,094 alleles (0.002%); highest among the groups gnomAD compares: South Asian, 0.02%; no homozygotes.

Submissions (2):

Labcorp Genetics (formerly Invitae), Labcorp
Classification: Likely benign for 3-methylcrotonyl-CoA carboxylase 2 deficiency. Last evaluated: 2024-02-05. Review status: criteria provided, single submitter. Criteria: Invitae Variant Classification Sherloc (09022015). Collection method: clinical testing. Allele origin: germline.

GeneDx
Classification: Likely benign. Last evaluated: 2016-11-10. Review status: criteria provided, single submitter. Criteria: GeneDx Variant Classification (06012015). Collection method: clinical testing. Allele origin: germline. Affected: yes.
Comment: This variant is considered likely benign or benign based on one or more of the following criteria: it is a conservative change, it occurs at a poorly conserved position in the protein, it is predicted to be benign by multiple in silico algorithms, and/or has population frequency not consistent with disease.

NM_022132.5(MCCC2):c.1509G>A (p.Ala503=)

Gene: MCCC2 (methylcrotonyl-CoA carboxylase subunit 2; plus strand). Cytogenetic location: 5q13.2.
Variant type: single nucleotide variant.
Coding change: c.1509G>A on transcript NM_022132.5 (MANE Select); coding-DNA position 1509, G replaced by A.
Protein change: p.Ala503=; no amino-acid change (alanine 503 retained).
Molecular consequence: synonymous variant.
Genome position (GRCh38, 1-based): chr5:71,652,689, G>A. VCF-style: chr5-71652689-G-A. GRCh37 (hg19) VCF-style: chr5-70948516-G-A.
Other names: c.1395G>A, p.Ala465= (NM_001363147.1).
Identifiers: ClinVar variation 390402 (VCV000390402.9), dbSNP rs779855532, ClinGen allele CA3298183.